The following is an entry in ClinVar:

ClinVar aggregate classification (germline): Uncertain significance (1 of 4 stars; one submission).

Conditions:
Neurofibromatosis, type 1 (NF1). Also called: VON RECKLINGHAUSEN DISEASE; NEUROFIBROMATOSIS, TYPE I, SOMATIC; Peripheral type neurofibromatosis; Neurofibromatosis, type I. Identifiers: Orphanet 636, MedGen C0027831, MONDO:0018975, OMIM 162200. Disease mechanism: loss of function.

Submission:

Labcorp Genetics (formerly Invitae), Labcorp
Classification: Uncertain significance for Neurofibromatosis, type 1. Last evaluated: 2019-07-04. Review status: criteria provided, single submitter. Criteria: Invitae Variant Classification Sherloc (09022015). Collection method: clinical testing. Allele origin: germline.
Comment: Algorithms developed to predict the effect of missense changes on protein structure and function are either unavailable or do not agree on the potential impact of this missense change (SIFT: "Tolerated"; PolyPhen-2: "Probably Damaging"; Align-GVGD: "Class C0"). This variant has not been reported in the literature in individuals with NF1-related disease. This variant is not present in population databases (ExAC no frequency). In summary, the available evidence is currently insufficient to determine the role of this variant in disease. Therefore, it has been classified as a Variant of Uncertain Significance. This sequence change replaces glycine with aspartic acid at codon 1092 of the NF1 protein (p.Gly1092Asp). The glycine residue is moderately conserved and there is a moderate physicochemical difference between glycine and aspartic acid.

NM_001042492.3(NF1):c.3275G>A (p.Gly1092Asp)

Gene: NF1 (neurofibromin 1; plus strand). Cytogenetic location: 17q11.2.
Variant type: single nucleotide variant.
Coding change: c.3275G>A on transcript NM_001042492.3 (MANE Select); coding-DNA position 3275, G replaced by A.
Protein change: p.Gly1092Asp; replaces glycine 1092 with aspartic acid.
Molecular consequence: missense variant.
Genome position (GRCh38, 1-based): chr17:31,232,150, G>A. VCF-style: chr17-31232150-G-A. GRCh37 (hg19) VCF-style: chr17-29559168-G-A.
Other names: c.3275G>A, p.Gly1092Asp (NM_000267.4); short protein forms G1092D.
Identifiers: ClinVar variation 653835 (VCV000653835.7), dbSNP rs1597718838, ClinGen allele CA398988853.
Genomic context (GRCh38, chr17:31,232,150, plus strand): 5'-GCATGGAAGCAGTAGTTTCACTTCTAGCTGGTCTCCCTCTGCAGCCTGAAGAAGGAGATG[G>A]TGTGGAATTGATGGAAGCCAAATCACAGTTATTTCTTAAGTAAATTTCAGTCACCAAAAA-3'
Protein context (NP_001035957.1, residues 1082-1102): GLPLQPEEGD[Gly1092Asp]VELMEAKSQL